The following is an entry in ClinVar:

ClinVar aggregate classification (germline): Pathogenic (1 of 4 stars; one submission).

Conditions:
Primary ciliary dyskinesia. Also called: Ciliary dyskinesia. Identifiers: Orphanet 244, MedGen C0008780, MONDO:0016575, HP:0012265.

Submission:

Labcorp Genetics (formerly Invitae), Labcorp
Classification: Pathogenic for Primary ciliary dyskinesia. Last evaluated: 2017-10-18. Review status: criteria provided, single submitter. Criteria: Invitae Variant Classification Sherloc (09022015). Collection method: clinical testing. Allele origin: germline.
Comment: For these reasons, this variant has been classified as Pathogenic. Loss-of-function variants in CCDC39 are known to be pathogenic (PMID: 21131972, 23255504). Deletion of exon 8 has not been reported in the literature in individuals with CCDC39-related disease. This variant is an out-of-frame deletion of the genomic region encompassing exon 8 of the CCDC39 gene. This is expected to create a premature translational stop signal and result in an absent or disrupted protein product.

Literature cited by the submitters: PubMed 21131972; PubMed 23255504.

NC_000003.12:g.(?_180652143)_(180652286_?)del

Gene: CCDC39 (coiled-coil domain 39 molecular ruler complex subunit; minus strand). Cytogenetic location: 3q26.33.
Variant type: Deletion.
Identifiers: ClinVar variation 525583 (VCV000525583.13).